The following is an entry in ClinVar:

ClinVar aggregate classification (germline): Uncertain significance (1 of 4 stars; one submission).

Submission:

Labcorp Genetics (formerly Invitae), Labcorp
Classification: Uncertain significance. Last evaluated: 2025-02-18. Review status: criteria provided, single submitter. Criteria: Invitae Variant Classification Sherloc (09022015). Collection method: clinical testing. Allele origin: germline.
Comment: This sequence change replaces arginine, which is basic and polar, with glutamine, which is neutral and polar, at codon 164 of the MRPL40 protein (p.Arg164Gln). This variant is present in population databases (rs747951395, gnomAD 0.01%). This variant has not been reported in the literature in individuals affected with MRPL40-related conditions. An algorithm developed to predict the effect of missense changes on protein structure and function outputs the following: PolyPhen-2: "Benign". The glutamine amino acid residue is found in multiple mammalian species, which suggests that this missense change does not adversely affect protein function. In summary, the available evidence is currently insufficient to determine the role of this variant in disease. Therefore, it has been classified as a Variant of Uncertain Significance.

NM_003776.4(MRPL40):c.491G>A (p.Arg164Gln)

Gene: MRPL40 (mitochondrial ribosomal protein L40; plus strand). Cytogenetic location: 22q11.21.
Variant type: single nucleotide variant.
Coding change: c.491G>A on transcript NM_003776.4 (MANE Select); coding-DNA position 491, G replaced by A.
Protein change: p.Arg164Gln; replaces arginine 164 with glutamine.
Molecular consequence: missense variant.
Genome position (GRCh38, 1-based): chr22:19,435,832, G>A. VCF-style: chr22-19435832-G-A. GRCh37 (hg19) VCF-style: chr22-19423355-G-A.
Other names: c.359G>A, p.Arg120Gln (NM_001318151.2); short protein forms R164Q, R120Q.
Identifiers: ClinVar variation 4702694 (VCV004702694.1).
Genomic context (GRCh38, chr22:19,435,832, plus strand): 5'-AGGAAGCTCTGGAGGAACTGCAACTGGAATCCCCGAAGCTCCATGCTGAGGCCATCAAGC[G>A]GGATCCTAACCTGTTCCCCTTTGAGAAGGAAGGGCCACATTACACACCACCGATCCCTAA-3'
Protein context (NP_003767.2, residues 154-174): SPKLHAEAIK[Arg164Gln]DPNLFPFEKE